The following is an entry in ClinVar:

NM_004006.3(DMD):c.4762G>T (p.Ala1588Ser)

Gene: DMD (dystrophin; minus strand). Cytogenetic location: Xp21.1.
Variant type: single nucleotide variant.
Coding change: c.4762G>T on transcript NM_004006.3 (MANE Select); coding-DNA position 4762, G replaced by T.
Protein change: p.Ala1588Ser; replaces alanine 1588 with serine.
Molecular consequence: missense variant.
Genome position (GRCh38, 1-based): chrX:32,380,593, C>A on the plus strand (G>T on the coding strand, the complement: DMD is on the minus strand). VCF-style: chrX-32380593-C-A. GRCh37 (hg19) VCF-style: chrX-32398710-C-A.
Other names: c.4738G>T, p.Ala1580Ser (NM_000109.4); c.4750G>T, p.Ala1584Ser (NM_004009.3); c.4393G>T, p.Ala1465Ser (NM_004010.3); c.739G>T, p.Ala247Ser (NM_004011.4); c.730G>T, p.Ala244Ser (NM_004012.4); short protein forms A1588S, A247S, A1465S, A1580S, A1584S, A244S.
Identifiers: ClinVar variation 526058 (VCV000526058.35), dbSNP rs749732729, ClinGen allele CA10378868.

ClinVar aggregate classification (germline): Likely benign. Review status: criteria provided, multiple submitters, no conflicts (2 of 4 stars). 4 submissions from 4 submitters: Likely benign (3). 1 of the submissions does not count toward it. Last evaluated 2025-12-17.

Conditions:
Dystrophin deficiency.
Cardiomyopathy (CMYO). Also called: Cardiomyopathies. Identifiers: Orphanet 167848, MedGen C0878544, MONDO:0004994, HP:0001638. Inheritance: Various modes of inheritance.
Becker muscular dystrophy (BMD). Also called: Becker Muscular Dystrophy (BMD); MUSCULAR DYSTROPHY, PSEUDOHYPERTROPHIC PROGRESSIVE, BECKER TYPE. Identifiers: Orphanet 98895, MedGen C0917713, MONDO:0010311, OMIM 300376.
Duchenne muscular dystrophy (DMD). Also called: MUSCULAR DYSTROPHY, PSEUDOHYPERTROPHIC PROGRESSIVE, DUCHENNE TYPE; Duchenne Muscular Dystrophy (DMD). Identifiers: Orphanet 98896, MedGen C0013264, MONDO:0010679, OMIM 310200.
Cardiovascular phenotype. Identifiers: MedGen CN230736.

Allele frequency attached by ClinVar (database versions not stated): TOPMed below 0.00001; gnomAD 0.00002 and 0.00003; gnomAD exomes 0.00004 and 0.00005; ExAC 0.00005.
gnomAD v4.1: 50 of 1,207,872 alleles (0.0041%); highest among the groups gnomAD compares: South Asian, 0.058%; no homozygotes.

Submissions (4):

Labcorp Genetics (formerly Invitae), Labcorp
Classification: Likely benign for Duchenne muscular dystrophy. Last evaluated: 2025-12-17. Review status: criteria provided, single submitter. Criteria: Invitae Variant Classification Sherloc (09022015). Collection method: clinical testing. Allele origin: germline.

CeGaT Center for Human Genetics Tuebingen
Classification: Likely benign. Last evaluated: 2025-11-01. Review status: criteria provided, single submitter. Criteria: CeGaT Center For Human Genetics Tuebingen Variant Classification Criteria Version 2. Collection method: clinical testing. Allele origin: germline. Affected: yes. Observed: 2 variant alleles.
Comment: DMD: BP4, BS2

Ambry Genetics
Classification: Likely benign for Cardiovascular phenotype. Last evaluated: 2025-07-28. Review status: criteria provided, single submitter. Criteria: Ambry Variant Classification Scheme 2023. Collection method: clinical testing. Allele origin: germline.

Natera, Inc.
Classification: Likely benign for Becker muscular dystrophy; Cardiomyopathy; Duchenne muscular dystrophy; Dystrophin deficiency. Last evaluated: 2020-09-03. Review status: no assertion criteria provided. Collection method: clinical testing. Allele origin: germline. Not counted in ClinVar's aggregate classification.